The following is an entry in ClinVar:

NM_000528.4(MAN2B1):c.673G>C (p.Asp225His)

Gene: MAN2B1 (mannosidase alpha class 2B member 1; minus strand). Cytogenetic location: 19p13.13.
Variant type: single nucleotide variant.
Coding change: c.673G>C on transcript NM_000528.4 (MANE Select); coding-DNA position 673, G replaced by C.
Protein change: p.Asp225His; replaces aspartic acid 225 with histidine.
Molecular consequence: missense variant.
Genome position (GRCh38, 1-based): chr19:12,663,793, C>G on the plus strand (G>C on the coding strand, the complement: MAN2B1 is on the minus strand). VCF-style: chr19-12663793-C-G. GRCh37 (hg19) VCF-style: chr19-12774607-C-G.
Other names: c.673G>C, p.Asp225His (NM_001173498.2); short protein forms D225H.
Identifiers: ClinVar variation 1467774 (VCV001467774.6), dbSNP rs2024165338, ClinGen allele CA404252948.

ClinVar aggregate classification (germline): Uncertain significance (1 of 4 stars; one submission).

Conditions:
Deficiency of alpha-mannosidase (MANSA). Also called: Alpha-Mannosidosis; LYSOSOMAL ALPHA-D-MANNOSIDASE DEFICIENCY; Mannosidosis, alpha-, types I and II. Identifiers: Orphanet 61, MedGen C0024748, MONDO:0009561, OMIM 248500.

Submission:

Labcorp Genetics (formerly Invitae), Labcorp
Classification: Uncertain significance for Deficiency of alpha-mannosidase. Last evaluated: 2021-10-01. Review status: criteria provided, single submitter. Criteria: Invitae Variant Classification Sherloc (09022015). Collection method: clinical testing. Allele origin: germline.
Comment: In summary, the available evidence is currently insufficient to determine the role of this variant in disease. Therefore, it has been classified as a Variant of Uncertain Significance. Algorithms developed to predict the effect of missense changes on protein structure and function are either unavailable or do not agree on the potential impact of this missense change (SIFT: "Deleterious"; PolyPhen-2: "Probably Damaging"; Align-GVGD: "Class C0"). This variant has not been reported in the literature in individuals affected with MAN2B1-related conditions. This variant is not present in population databases (ExAC no frequency). This sequence change replaces aspartic acid with histidine at codon 225 of the MAN2B1 protein (p.Asp225His). The aspartic acid residue is highly conserved and there is a moderate physicochemical difference between aspartic acid and histidine.